The following is an entry in ClinVar:

ClinVar aggregate classification (germline): Pathogenic (1 of 4 stars; one submission).

Conditions:
X-linked immunodeficiency with magnesium defect, Epstein-Barr virus infection and neoplasia. Identifiers: Orphanet 317476, MedGen C3275445, MONDO:0010455, OMIM 300853.

Submission:

Labcorp Genetics (formerly Invitae), Labcorp
Classification: Pathogenic for X-linked immunodeficiency with magnesium defect, Epstein-Barr virus infection and neoplasia. Last evaluated: 2025-09-07. Review status: criteria provided, single submitter. Criteria: Invitae Variant Classification Sherloc (09022015). Collection method: clinical testing. Allele origin: germline.
Comment: This sequence change creates a premature translational stop signal (p.Ile172Serfs*41) in the MAGT1 gene. It is expected to result in an absent or disrupted protein product. Loss-of-function variants in MAGT1 are known to be pathogenic (PMID: 24550228). This variant is not present in population databases (gnomAD no frequency). This variant has not been reported in the literature in individuals affected with MAGT1-related conditions. For these reasons, this variant has been classified as Pathogenic.

Literature cited by the submitters: PubMed 24550228.

NM_001367916.1(MAGT1):c.418del (p.Ile140fs)

Gene: MAGT1 (magnesium transporter 1; minus strand). Cytogenetic location: Xq21.1.
Variant type: Deletion.
Coding change: c.418del on transcript NM_001367916.1 (MANE Select); coding-DNA position 418, one base deleted (A; older notation c.418delA).
Protein change: p.Ile140fs; shifts the reading frame from isoleucine 140.
Molecular consequence: frameshift variant.
Genome position (GRCh38, 1-based): chrX:77,857,470, T deleted on the plus strand (A on the coding strand, the reverse complement: MAGT1 is on the minus strand). VCF-style (leftmost placement, unchanged base first): chrX-77857469-AT-A. GRCh37 (hg19) VCF-style: chrX-77112966-AT-A.
Other names: c.514del, p.Ile172fs (NM_032121.5); short protein forms I172fs, I140fs.
Identifiers: ClinVar variation 4726786 (VCV004726786.1).